The following is an entry in ClinVar:

ClinVar aggregate classification (germline): Conflicting classifications of pathogenicity. Review status: criteria provided, conflicting classifications (1 of 4 stars). 2 submissions from 2 submitters: Likely pathogenic (1); Uncertain significance (1). Last evaluated 2025-08-30.

Conditions:
Stargardt disease (FFM). Also called: Fundus flavimaculatus; Stargardt's disease. Identifiers: Orphanet 827, MedGen C0271093, MONDO:0019353.

Submissions (2):

Labcorp Genetics (formerly Invitae), Labcorp
Classification: Likely pathogenic. Last evaluated: 2025-08-30. Review status: criteria provided, single submitter. Criteria: Invitae Variant Classification Sherloc (09022015). Collection method: clinical testing. Allele origin: germline.
Comment: This sequence change replaces threonine, which is neutral and polar, with asparagine, which is neutral and polar, at codon 1089 of the ABCA4 protein (p.Thr1089Asn). This variant is not present in population databases (gnomAD no frequency). This missense change has been observed in individual(s) with clinical features of ABCA4-related conditions (internal data). ClinVar contains an entry for this variant (Variation ID: 1341967). Invitae Evidence Modeling of protein sequence and biophysical properties (such as structural, functional, and spatial information, amino acid conservation, physicochemical variation, residue mobility, and thermodynamic stability) indicates that this missense variant is expected to disrupt ABCA4 protein function with a positive predictive value of 95%. This variant disrupts the p.Thr1089 amino acid residue in ABCA4. Other variant(s) that disrupt this residue have been determined to be pathogenic (PMID: 23882696, 33301772). This suggests that this residue is clinically significant, and that variants that disrupt this residue are likely to be disease-causing. In summary, the currently available evidence indicates that the variant is pathogenic, but additional data are needed to prove that conclusively. Therefore, this variant has been classified as Likely Pathogenic.

Institute of Medical Genetics and Applied Genomics, University Hospital Tübingen
Classification: Uncertain significance for Stargardt disease. Last evaluated: 2022-02-21. Review status: criteria provided, single submitter. Criteria: ACMG Guidelines, 2015. Collection method: clinical testing. Allele origin: germline. Inheritance: Autosomal recessive inheritance. Affected: yes.
Comment: in trans with c.3261C>A, p.Glu1087Asp

Literature cited by the submitters: PubMed 23882696 (cited by Labcorp Genetics (formerly Invitae), Labcorp); PubMed 33301772 (cited by Labcorp Genetics (formerly Invitae), Labcorp).

NM_000350.3(ABCA4):c.3266C>A (p.Thr1089Asn)

Gene: ABCA4 (ATP binding cassette subfamily A member 4; minus strand). Cytogenetic location: 1p22.1.
Variant type: single nucleotide variant.
Coding change: c.3266C>A on transcript NM_000350.3 (MANE Select); coding-DNA position 3266, C replaced by A.
Protein change: p.Thr1089Asn; replaces threonine 1089 with asparagine.
Molecular consequence: missense variant.
Genome position (GRCh38, 1-based): chr1:94,042,823, G>T on the plus strand (C>A on the coding strand, the complement: ABCA4 is on the minus strand). VCF-style: chr1-94042823-G-T. GRCh37 (hg19) VCF-style: chr1-94508379-G-T.
Other names: c.3044C>A, p.Thr1015Asn (NM_001425324.1); short protein forms T1089N, T1015N.
Identifiers: ClinVar variation 1341967 (VCV001341967.2), dbSNP rs2101050605, ClinGen allele CA341292122.
Genomic context (GRCh38, chr1:94,042,823, plus strand): 5'-GAGCGATACTTCAGGAGCAGATCCCAGATTGAGCGTCTCGAGTAAGGGTCCACCCCAGAG[G>T]TGGGTTCGTCCAGAATCACCACCTTGGCATCTCCCACAAAGGCAATGGCAACCGACAGCT-3'
Protein context (NP_000341.2, residues 1079-1099): DAKVVILDEP[Thr1089Asn]SGVDPYSRRS